The following is an entry in ClinVar:

ClinVar aggregate classification (germline): Benign/Likely benign. Review status: criteria provided, multiple submitters, no conflicts (2 of 4 stars). 4 submissions from 4 submitters: Benign (1); Likely benign (3). Last evaluated 2025-09-15.

Conditions:
Hereditary sensory neuropathy-deafness-dementia syndrome. Also called: HSN IE; Hereditary sensory neuropathy type IE; Hereditary Sensory and Autonomic Neuropathy Type 1E (HSAN1E); NEUROPATHY, HEREDITARY SENSORY, WITH HEARING LOSS AND DEMENTIA. Identifiers: Orphanet 456318, MedGen C3279885, MONDO:0013584, OMIM 614116.

Allele frequency attached by ClinVar (database versions not stated): ESP Exome Variant Server 0.00008; ExAC 0.00009; TOPMed 0.00011; gnomAD 0.00012 and 0.00015; 1000 Genomes Project 30x 0.00031; 1000 Genomes Project 0.00040.
gnomAD v4.1: 319 of 1,613,602 alleles (0.02%); highest among the groups gnomAD compares: Non-Finnish European, 0.025%; no homozygotes.

Submissions (4):

Labcorp Genetics (formerly Invitae), Labcorp
Classification: Likely benign for Hereditary sensory neuropathy-deafness-dementia syndrome. Last evaluated: 2025-09-15. Review status: criteria provided, single submitter. Criteria: Invitae Variant Classification Sherloc (09022015). Collection method: clinical testing. Allele origin: germline.

Women's Health and Genetics/Laboratory Corporation of America, LabCorp
Classification: Benign. Last evaluated: 2024-12-09. Review status: criteria provided, single submitter. Criteria: LabCorp Variant Classification Summary - May 2015. Collection method: clinical testing. Allele origin: germline.

Blueprint Genetics
Classification: Likely benign. Last evaluated: 2023-07-03. Review status: criteria provided, single submitter. Criteria: ACMG Guidelines, 2015. Collection method: clinical testing. Allele origin: germline.

GeneDx
Classification: Likely benign. Last evaluated: 2017-04-13. Review status: criteria provided, single submitter. Criteria: GeneDx Variant Classification (06012015). Collection method: clinical testing. Allele origin: germline. Affected: yes.
Comment: This variant is considered likely benign or benign based on one or more of the following criteria: it is a conservative change, it occurs at a poorly conserved position in the protein, it is predicted to be benign by multiple in silico algorithms, and/or has population frequency not consistent with disease.

NM_001130823.3(DNMT1):c.2587-19C>T

Gene: DNMT1 (DNA methyltransferase 1; minus strand). Cytogenetic location: 19p13.2.
Variant type: single nucleotide variant.
Coding change: c.2587-19C>T on transcript NM_001130823.3 (MANE Select); 19 bases into the intron before coding-DNA position 2587, C replaced by T.
Molecular consequence: intron variant.
Genome position (GRCh38, 1-based): chr19:10,149,036, G>A on the plus strand (C>T on the coding strand, the complement: DNMT1 is on the minus strand). VCF-style: chr19-10149036-G-A. GRCh37 (hg19) VCF-style: chr19-10259712-G-A.
Other names: c.2587-19C>T (LRG_362t1); c.2224-19C>T (NM_001318731.2); c.2539-19C>T (NM_001379.4, NM_001318730.2).
Identifiers: ClinVar variation 508945 (VCV000508945.11), dbSNP rs199713998, ClinGen allele CA9188005.